The following is an entry in ClinVar:

NM_004859.4(CLTC):c.4961C>T (p.Pro1654Leu)

Gene: CLTC (clathrin heavy chain; plus strand). Cytogenetic location: 17q23.1.
Variant type: single nucleotide variant.
Coding change: c.4961C>T on transcript NM_004859.4 (MANE Select); coding-DNA position 4961, C replaced by T.
Protein change: p.Pro1654Leu; replaces proline 1654 with leucine.
Molecular consequence: missense variant.
Genome position (GRCh38, 1-based): chr17:59,693,785, C>T. VCF-style: chr17-59693785-C-T. GRCh37 (hg19) VCF-style: chr17-57771146-C-T.
Other names: c.4973C>T, p.Pro1658Leu (NM_001288653.2); short protein forms P1658L, P1654L.
Identifiers: ClinVar variation 3690733 (VCV003690733.2).

ClinVar aggregate classification (germline): Uncertain significance (1 of 4 stars; one submission).

gnomAD v4.1: 1 of 1,613,892 alleles (0.000062%); highest among the groups gnomAD compares: Non-Finnish European, 0.000085%; no homozygotes.

Submission:

Labcorp Genetics (formerly Invitae), Labcorp
Classification: Uncertain significance. Last evaluated: 2024-09-09. Review status: criteria provided, single submitter. Criteria: Invitae Variant Classification Sherloc (09022015). Collection method: clinical testing. Allele origin: germline.
Comment: This sequence change replaces proline, which is neutral and non-polar, with leucine, which is neutral and non-polar, at codon 1658 of the CLTC protein (p.Pro1658Leu). This variant is not present in population databases (gnomAD no frequency). This variant has not been reported in the literature in individuals affected with CLTC-related conditions. Experimental studies and prediction algorithms are not available or were not evaluated, and the functional significance of this variant is currently unknown. In summary, the available evidence is currently insufficient to determine the role of this variant in disease. Therefore, it has been classified as a Variant of Uncertain Significance.